The following is an entry in ClinVar:

ClinVar aggregate classification (germline): Uncertain significance (1 of 4 stars; one submission).

Conditions:
Werner syndrome (WRN). Identifiers: Orphanet 902, MedGen C0043119, MONDO:0010196, OMIM 277700.

Allele frequency attached by ClinVar (database versions not stated): gnomAD exomes below 0.00001; TOPMed below 0.00001; gnomAD 0.00001.
gnomAD v4.1: 2 of 1,612,760 alleles (0.00012%); highest among the groups gnomAD compares: African/African-American, 0.0027%; no homozygotes.

Submission:

Labcorp Genetics (formerly Invitae), Labcorp
Classification: Uncertain significance for Werner syndrome. Last evaluated: 2022-12-26. Review status: criteria provided, single submitter. Criteria: Invitae Variant Classification Sherloc (09022015). Collection method: clinical testing. Allele origin: germline.
Comment: In summary, the available evidence is currently insufficient to determine the role of this variant in disease. Therefore, it has been classified as a Variant of Uncertain Significance. Algorithms developed to predict the effect of missense changes on protein structure and function are either unavailable or do not agree on the potential impact of this missense change (SIFT: "Not Available"; PolyPhen-2: "Probably Damaging"; Align-GVGD: "Not Available"). ClinVar contains an entry for this variant (Variation ID: 1431022). This variant has not been reported in the literature in individuals affected with WRN-related conditions. This variant is not present in population databases (gnomAD no frequency). This sequence change replaces isoleucine, which is neutral and non-polar, with threonine, which is neutral and polar, at codon 852 of the WRN protein (p.Ile852Thr).

NM_000553.6(WRN):c.2555T>C (p.Ile852Thr)

Gene: WRN (WRN RecQ like helicase; plus strand). Cytogenetic location: 8p12.
Variant type: single nucleotide variant.
Coding change: c.2555T>C on transcript NM_000553.6 (MANE Select); coding-DNA position 2555, T replaced by C.
Protein change: p.Ile852Thr; replaces isoleucine 852 with threonine.
Molecular consequence: missense variant.
Genome position (GRCh38, 1-based): chr8:31,120,349, T>C. VCF-style: chr8-31120349-T-C. GRCh37 (hg19) VCF-style: chr8-30977865-T-C.
Other names: short protein forms I852T.
Identifiers: ClinVar variation 1431022 (VCV001431022.4), dbSNP rs1197212037, ClinGen allele CA370915549.